The following is an entry in ClinVar:

ClinVar aggregate classification (germline): Uncertain significance. Review status: criteria provided, multiple submitters, no conflicts (2 of 4 stars). 4 submissions from 4 submitters: Uncertain significance (4). Last evaluated 2026-07-15.

Conditions:
Cardiovascular phenotype. Identifiers: MedGen CN230736.
Myofibrillar myopathy 5. Also called: Filaminopathy (type); FILAMINOPATHY, AUTOSOMAL DOMINANT. Identifiers: Orphanet 171445, MedGen C1836050, MONDO:0012289, OMIM 609524.
Distal myopathy with posterior leg and anterior hand involvement. Also called: WILLIAMS DISTAL MYOPATHY. Identifiers: Orphanet 63273, MedGen C3279722, MONDO:0013550, OMIM 614065.
Hypertrophic cardiomyopathy 26. Also called: Cardiomyopathy, familial hypertrophic, 26. Identifiers: Orphanet 75249, MedGen C4310749, MONDO:0014883, OMIM 617047.

Allele frequency attached by ClinVar (database versions not stated): ExAC 0.00002; 1000 Genomes Project 30x 0.00016; 1000 Genomes Project 0.00020; gnomAD exomes below 0.00001; TOPMed below 0.00001; gnomAD 0.00001.
gnomAD v4.1: 6 of 1,611,418 alleles (0.00037%); highest among the groups gnomAD compares: East Asian, 0.0022%; no homozygotes.

Submissions (4):

Ambry Genetics
Classification: Uncertain significance for Cardiovascular phenotype. Last evaluated: 2026-07-15. Review status: criteria provided, single submitter. Criteria: Ambry Variant Classification Scheme 2023. Collection method: clinical testing. Allele origin: germline.
Comment: The p.P1051L variant (also known as c.3152C>T), located in coding exon 20 of the FLNC gene, results from a C to T substitution at nucleotide position 3152. The proline at codon 1051 is replaced by leucine, an amino acid with similar properties. This variant was reported in individual(s) with features consistent with dilated cardiomyopathy (Ambry internal data). This amino acid position is highly conserved in available vertebrate species. In addition, this alteration is predicted to be deleterious by in silico analysis. Based on the available evidence, the clinical significance of this variant remains unclear.

Labcorp Genetics (formerly Invitae), Labcorp
Classification: Uncertain significance for Distal myopathy with posterior leg and anterior hand involvement; Myofibrillar myopathy 5; Hypertrophic cardiomyopathy 26. Last evaluated: 2026-02-02. Review status: criteria provided, single submitter. Criteria: Invitae Variant Classification Sherloc (09022015). Collection method: clinical testing. Allele origin: germline.
Comment: This sequence change replaces proline, which is neutral and non-polar, with leucine, which is neutral and non-polar, at codon 1051 of the FLNC protein (p.Pro1051Leu). This variant is present in population databases (rs546130026, gnomAD 0.006%). This variant has not been reported in the literature in individuals affected with FLNC-related conditions. ClinVar contains an entry for this variant (Variation ID: 574678). Invitae Evidence Modeling of protein sequence and biophysical properties (such as structural, functional, and spatial information, amino acid conservation, physicochemical variation, residue mobility, and thermodynamic stability) has been performed for this missense variant. However, the output from this modeling did not meet the statistical confidence thresholds required to predict the impact of this variant on FLNC protein function. In summary, the available evidence is currently insufficient to determine the role of this variant in disease. Therefore, it has been classified as a Variant of Uncertain Significance.

GeneDx
Classification: Uncertain significance. Last evaluated: 2023-07-10. Review status: criteria provided, single submitter. Criteria: GeneDx Variant Classification Process June 2021. Collection method: clinical testing. Allele origin: germline. Affected: yes.
Comment: Not observed at significant frequency in large population cohorts (gnomAD); In silico analysis supports that this missense variant has a deleterious effect on protein structure/function; Has not been previously published as pathogenic or benign to our knowledge

Blueprint Genetics
Classification: Uncertain significance. Last evaluated: 2022-02-02. Review status: criteria provided, single submitter. Criteria: ACMG Guidelines, 2015. Collection method: clinical testing. Allele origin: germline.

NM_001458.5(FLNC):c.3152C>T (p.Pro1051Leu)

Gene: FLNC (filamin C; plus strand). Cytogenetic location: 7q32.1.
Variant type: single nucleotide variant.
Coding change: c.3152C>T on transcript NM_001458.5 (MANE Select); coding-DNA position 3152, C replaced by T.
Protein change: p.Pro1051Leu; replaces proline 1051 with leucine.
Molecular consequence: missense variant.
Genome position (GRCh38, 1-based): chr7:128,844,226, C>T. VCF-style: chr7-128844226-C-T. GRCh37 (hg19) VCF-style: chr7-128484280-C-T.
Other names: c.3152C>T, p.Pro1051Leu (NM_001127487.2); short protein forms P1051L.
Identifiers: ClinVar variation 574678 (VCV000574678.12), dbSNP rs546130026, ClinGen allele CA4474967.